The following is an entry in ClinVar:

NM_003737.4(DCHS1):c.7363C>T (p.Arg2455Ter)

Gene: DCHS1 (dachsous cadherin-related 1; minus strand). Cytogenetic location: 11p15.4.
Variant type: single nucleotide variant.
Coding change: c.7363C>T on transcript NM_003737.4 (MANE Select); coding-DNA position 7363, C replaced by T.
Protein change: p.Arg2455Ter; replaces arginine 2455 with a stop codon.
Molecular consequence: nonsense.
Genome position (GRCh38, 1-based): chr11:6,624,313, G>A on the plus strand (C>T on the coding strand, the complement: DCHS1 is on the minus strand). VCF-style: chr11-6624313-G-A. GRCh37 (hg19) VCF-style: chr11-6645544-G-A.
Other names: c.7363C>T (NM_003737.3); short protein forms R2455*.
Identifiers: ClinVar variation 4078462 (VCV004078462.2).

ClinVar aggregate classification (germline): Uncertain significance. Review status: criteria provided, multiple submitters, no conflicts (2 of 4 stars). 2 submissions from 2 submitters: Uncertain significance (2). Last evaluated 2026-03-20.

gnomAD v4.1: 7 of 1,585,192 alleles (0.00044%); highest among the groups gnomAD compares: South Asian, 0.0023%; no homozygotes.

Submissions (2):

GeneDx
Classification: Uncertain significance. Last evaluated: 2026-03-20. Review status: criteria provided, single submitter. Criteria: GeneDx Variant Classification Process June 2021. Collection method: clinical testing. Allele origin: germline.
Comment: Not observed at significant frequency in large population cohorts (gnomAD); Nonsense variant predicted to result in protein truncation as the last 844 amino acid(s) are lost; Has not been previously published as pathogenic or benign to our knowledge

Revvity Omics, Revvity
Classification: Uncertain significance. Last evaluated: 2024-05-22. Review status: criteria provided, single submitter. Criteria: ACMG Guidelines, 2015. Collection method: clinical testing. Allele origin: germline.